The following is an entry in ClinVar:

ClinVar aggregate classification (germline): Uncertain significance (1 of 4 stars; one submission).

Allele frequency attached by ClinVar (database versions not stated): gnomAD exomes 0.00001; gnomAD 0.00008.
gnomAD v4.1: 19 of 1,540,206 alleles (0.0012%); highest among the groups gnomAD compares: African/African-American, 0.025%; no homozygotes.

Submission:

Labcorp Genetics (formerly Invitae), Labcorp
Classification: Uncertain significance. Last evaluated: 2023-08-09. Review status: criteria provided, single submitter. Criteria: Invitae Variant Classification Sherloc (09022015). Collection method: clinical testing. Allele origin: germline.
Comment: This variant is present in population databases (no rsID available, gnomAD 0.03%). In summary, the available evidence is currently insufficient to determine the role of this variant in disease. Therefore, it has been classified as a Variant of Uncertain Significance. An algorithm developed to predict the effect of missense changes on protein structure and function (PolyPhen-2) suggests that this variant¬†is likely to be tolerated. ClinVar contains an entry for this variant (Variation ID: 2421195). This variant has not been reported in the literature in individuals affected with C1QBP-related conditions. This sequence change replaces proline, which is neutral and non-polar, with threonine, which is neutral and polar, at codon 3 of the C1QBP protein (p.Pro3Thr).

NM_001212.4(C1QBP):c.7C>A (p.Pro3Thr)

Genes: C1QBP (complement C1q binding protein; minus strand), LOC130060075 (ATAC-STARR-seq lymphoblastoid silent region 8070; plus strand). Cytogenetic location: 17p13.2.
Variant type: single nucleotide variant.
Coding change: c.7C>A on transcript NM_001212.4 (MANE Select); coding-DNA position 7, C replaced by A.
Protein change: p.Pro3Thr; replaces proline 3 with threonine.
Molecular consequence: missense variant.
Genome position (GRCh38, 1-based): chr17:5,439,067, G>T on the plus strand (C>A on the coding strand, the complement: C1QBP is on the minus strand). VCF-style: chr17-5439067-G-T. GRCh37 (hg19) VCF-style: chr17-5342387-G-T.
Other names: short protein forms P3T.
Identifiers: ClinVar variation 2421195 (VCV002421195.3), dbSNP rs944586253, ClinGen allele CA287261601.